The following is an entry in ClinVar:

NM_000632.4(ITGAM):c.1311_1313dup (p.Gln437_Asn438insLys)

Gene: ITGAM (integrin subunit alpha M; plus strand). Cytogenetic location: 16p11.2.
Variant type: Duplication.
Coding change: c.1311_1313dup on transcript NM_000632.4 (MANE Select); coding-DNA positions 1311 to 1313, 3 bases duplicated (GAA; older notation c.1311_1313dupGAA).
Protein change: p.Gln437_Asn438insLys.
Molecular consequence: inframe insertion.
Genome position (GRCh38, 1-based): chr16:31,278,064-31,278,066, GAA duplicated; duplicating any 3 consecutive bases within chr16:31,278,063-31,278,066 gives the same sequence; the c. name uses the placement nearest the transcript's 3' end. VCF-style (leftmost placement, unchanged base first): chr16-31278062-C-CAGA. GRCh37 (hg19) VCF-style: chr16-31289383-C-CAGA.
Other names: c.1311_1313dup, p.Gln437_Asn438insLys (NM_001145808.2).
Identifiers: ClinVar variation 4736838 (VCV004736838.1).

ClinVar aggregate classification (germline): Uncertain significance (1 of 4 stars; one submission).

Submission:

Labcorp Genetics (formerly Invitae), Labcorp
Classification: Uncertain significance. Last evaluated: 2025-10-13. Review status: criteria provided, single submitter. Criteria: Invitae Variant Classification Sherloc (09022015). Collection method: clinical testing. Allele origin: germline.
Comment: This variant, c.1311_1313dup, results in the insertion of 1 amino acid(s) of the ITGAM protein (p.Gln437_Asn438insLys), but otherwise preserves the integrity of the reading frame. This variant is not present in population databases (gnomAD no frequency). This variant has not been reported in the literature in individuals affected with ITGAM-related conditions. In summary, the available evidence is currently insufficient to determine the role of this variant in disease. Therefore, it has been classified as a Variant of Uncertain Significance.